The following is an entry in ClinVar:

NM_000168.6(GLI3):c.2103+3A>T

Gene: GLI3 (GLI family zinc finger 3; minus strand). Cytogenetic location: 7p14.1.
Variant type: single nucleotide variant.
Coding change: c.2103+3A>T on transcript NM_000168.6 (MANE Select); 3 bases into the intron after coding-DNA position 2103, A replaced by T.
Molecular consequence: intron variant.
Genome position (GRCh38, 1-based): chr7:41,972,334, T>A on the plus strand (A>T on the coding strand, the complement: GLI3 is on the minus strand). VCF-style: chr7-41972334-T-A. GRCh37 (hg19) VCF-style: chr7-42011933-T-A.
Identifiers: ClinVar variation 3898923 (VCV003898923.1).

ClinVar aggregate classification (germline): Uncertain significance (1 of 4 stars; one submission).

Submission:

GeneDx
Classification: Uncertain significance. Last evaluated: 2024-11-08. Review status: criteria provided, single submitter. Criteria: GeneDx Variant Classification Process June 2021. Collection method: clinical testing. Allele origin: germline. Affected: yes.
Comment: Not observed at significant frequency in large population cohorts (gnomAD); In silico analysis supports a deleterious effect on splicing; Has not been previously published as pathogenic or benign to our knowledge